The following is an entry in ClinVar:

ClinVar aggregate classification (germline): Uncertain significance. Review status: criteria provided, multiple submitters, no conflicts (2 of 4 stars). 2 submissions from 2 submitters: Uncertain significance (2). Last evaluated 2025-10-29.

Conditions:
EAST syndrome (SESAMES). Also called: SEIZURES, SENSORINEURAL DEAFNESS, ATAXIA, IMPAIRED INTELLECTUAL DEVELOPMENT, AND ELECTROLYTE IMBALANCE. Identifiers: Orphanet 199343, MedGen C2748572, MONDO:0013005, OMIM 612780.

gnomAD v4.1: 1 of 1,613,914 alleles (0.000062%); highest among the groups gnomAD compares: Non-Finnish European, 0.000085%; no homozygotes.

Submissions (2):

Labcorp Genetics (formerly Invitae), Labcorp
Classification: Uncertain significance for EAST syndrome. Last evaluated: 2025-10-29. Review status: criteria provided, single submitter. Criteria: Invitae Variant Classification Sherloc (09022015). Collection method: clinical testing. Allele origin: germline.
Comment: This sequence change replaces phenylalanine, which is neutral and non-polar, with leucine, which is neutral and non-polar, at codon 80 of the KCNJ10 protein (p.Phe80Leu). This variant is present in population databases (no rsID available, gnomAD 0.0009%). This variant has not been reported in the literature in individuals affected with KCNJ10-related conditions. ClinVar contains an entry for this variant (Variation ID: 3391610). Invitae Evidence Modeling of protein sequence and biophysical properties (such as structural, functional, and spatial information, amino acid conservation, physicochemical variation, residue mobility, and thermodynamic stability) indicates that this missense variant is not expected to disrupt KCNJ10 protein function with a negative predictive value of 95%. In summary, the available evidence is currently insufficient to determine the role of this variant in disease. Therefore, it has been classified as a Variant of Uncertain Significance.

GeneDx
Classification: Uncertain significance. Last evaluated: 2024-06-18. Review status: criteria provided, single submitter. Criteria: GeneDx Variant Classification Process June 2021. Collection method: clinical testing. Allele origin: germline. Affected: yes.
Comment: Not observed at significant frequency in large population cohorts (gnomAD); In silico analysis indicates that this missense variant does not alter protein structure/function; Has not been previously published as pathogenic or benign to our knowledge

NM_002241.5(KCNJ10):c.238T>C (p.Phe80Leu)

Gene: KCNJ10 (potassium inwardly rectifying channel subfamily J member 10; minus strand). Cytogenetic location: 1q23.2.
Variant type: single nucleotide variant.
Coding change: c.238T>C on transcript NM_002241.5 (MANE Select); coding-DNA position 238, T replaced by C.
Protein change: p.Phe80Leu; replaces phenylalanine 80 with leucine.
Molecular consequence: missense variant.
Genome position (GRCh38, 1-based): chr1:160,042,295, A>G on the plus strand (T>C on the coding strand, the complement: KCNJ10 is on the minus strand). VCF-style: chr1-160042295-A-G. GRCh37 (hg19) VCF-style: chr1-160012085-A-G.
Other names: short protein forms F80L.
Identifiers: ClinVar variation 3391610 (VCV003391610.2).